The following is an entry in ClinVar:

ClinVar aggregate classification (germline): Benign (1 of 4 stars; one submission).

Conditions:
Tuberous sclerosis 2 (TSC2). Identifiers: Orphanet 805, MedGen C1860707, MONDO:0013199, OMIM 613254.

gnomAD v4.1: 1 of 1,611,158 alleles (0.000062%); highest among the groups gnomAD compares: Non-Finnish European, 0.000085%; no homozygotes.

Submission:

Myriad Genetics, Inc.
Classification: Benign for Tuberous sclerosis 2. Last evaluated: 2025-05-13. Review status: criteria provided, single submitter. Criteria: Myriad Autosomal Dominant, Autosomal Recessive and X-Linked Classification Criteria (2023). Collection method: clinical testing. Allele origin: unknown.
Comment: This variant is considered benign. This variant is a silent/synonymous amino acid change and it is not expected to impact splicing.

NM_000548.5(TSC2):c.1333C>T (p.Leu445=)

Gene: TSC2 (TSC complex subunit 2; plus strand). Cytogenetic location: 16p13.3.
Variant type: single nucleotide variant.
Coding change: c.1333C>T on transcript NM_000548.5 (MANE Select); coding-DNA position 1333, C replaced by T.
Protein change: p.Leu445=; no amino-acid change (leucine 445 retained).
Molecular consequence: synonymous variant. On other transcripts: 5 prime UTR variant (10), non-coding transcript variant (5).
Genome position (GRCh38, 1-based): chr16:2,062,572, C>T. VCF-style: chr16-2062572-C-T. GRCh37 (hg19) VCF-style: chr16-2112573-C-T.
Other names: c.1333C>T, p.Leu445= (NM_001077183.3, NM_001114382.3, NM_001363528.2 and 6 more transcripts); c.1222C>T, p.Leu408= (NM_001318827.2, NM_001406670.1, NM_001406678.1); c.1186C>T, p.Leu396= (NM_001318829.2, NM_001406675.1, NM_001406676.1 and 1 more transcripts); c.733C>T, p.Leu245= (NM_001318831.2, NM_001406680.1, NM_001406682.1 and 6 more transcripts); c.1366C>T, p.Leu456= (NM_001318832.2); c.1423C>T, p.Leu475= (NM_001406667.1, NM_001406668.1); c.1321C>T, p.Leu441= (NM_001406671.1, NM_001406673.1); c.1276C>T, p.Leu426= (NM_001406677.1); and 3 more.
Identifiers: ClinVar variation 4071326 (VCV004071326.1).